The following is an entry in ClinVar:

ClinVar aggregate classification (germline): Conflicting classifications of pathogenicity. Review status: criteria provided, conflicting classifications (1 of 4 stars). 5 submissions from 5 submitters: Uncertain significance (3); Benign (1); Likely benign (1). Last evaluated 2025-12-20.

Conditions:
Cardiovascular phenotype. Identifiers: MedGen CN230736.
Hereditary cancer-predisposing syndrome. Also called: Tumor predisposition; Hereditary Cancer Syndrome; Hereditary neoplastic syndrome; Neoplastic Syndromes, Hereditary. Identifiers: Orphanet 140162, MedGen C0027672, MeSH D009386, MONDO:0015356.
Neurofibromatosis, familial spinal (FSNF). Identifiers: Orphanet 636, MedGen C1834235, MONDO:0008078, OMIM 162210. Disease mechanism: loss of function.
Juvenile myelomonocytic leukemia (JMML). Also called: LEUKEMIA, JUVENILE MYELOMONOCYTIC, SOMATIC. Identifiers: Orphanet 86834, MedGen C0349639, MONDO:0011908, OMIM 607785, HP:0012209.
Neurofibromatosis, type 1 (NF1). Also called: VON RECKLINGHAUSEN DISEASE; NEUROFIBROMATOSIS, TYPE I, SOMATIC; Peripheral type neurofibromatosis; Neurofibromatosis, type I. Identifiers: Orphanet 636, MedGen C0027831, MONDO:0018975, OMIM 162200. Disease mechanism: loss of function.
Neurofibromatosis-Noonan syndrome (NFNS). Also called: NEUROFIBROMATOSIS WITH NOONAN PHENOTYPE. Identifiers: Orphanet 638, MedGen C2931482, MONDO:0011035, OMIM 601321. Disease mechanism: loss of function.
Café-au-lait macules with pulmonary stenosis (WTSN). Also called: PULMONIC STENOSIS WITH CAFE-AU-LAIT SPOTS. Identifiers: MedGen C0553586, MONDO:0008672, OMIM 193520.

Allele frequency attached by ClinVar (database versions not stated): gnomAD exomes below 0.00001 and 0.00002; ExAC 0.00001.
gnomAD v4.1: 27 of 1,613,750 alleles (0.0017%); highest among the groups gnomAD compares: Non-Finnish European, 0.0022%; no homozygotes.

Submissions (5):

Labcorp Genetics (formerly Invitae), Labcorp
Classification: Benign for Neurofibromatosis, type 1. Last evaluated: 2025-12-20. Review status: criteria provided, single submitter. Criteria: Invitae Variant Classification Sherloc (09022015). Collection method: clinical testing. Allele origin: germline.

Fulgent Genetics
Classification: Uncertain significance for Neurofibromatosis, type 1; Neurofibromatosis, familial spinal; Café-au-lait macules with pulmonary stenosis; Neurofibromatosis-Noonan syndrome; Juvenile myelomonocytic leukemia. Last evaluated: 2024-02-19. Review status: criteria provided, single submitter. Criteria: ACMG Guidelines, 2015. Collection method: clinical testing. Allele origin: germline.

Ambry Genetics
Classification: Likely benign for Cardiovascular phenotype; Hereditary cancer-predisposing syndrome. Last evaluated: 2023-03-30. Review status: criteria provided, single submitter. Criteria: Ambry Variant Classification Scheme 2023. Collection method: clinical testing. Allele origin: germline.

GeneDx
Classification: Uncertain significance. Last evaluated: 2022-12-28. Review status: criteria provided, single submitter. Criteria: GeneDx Variant Classification Process June 2021. Collection method: clinical testing. Allele origin: germline. Affected: yes.
Comment: In silico analysis supports that this missense variant does not alter protein structure/function; Has not been previously published as pathogenic or benign to our knowledge; This variant is associated with the following publications: (PMID: 25486365)

Genome-Nilou Lab
Classification: Uncertain significance for Neurofibromatosis, type 1. Last evaluated: 2022-03-15. Review status: criteria provided, single submitter. Criteria: ACMG Guidelines, 2015. Collection method: clinical testing. Allele origin: germline. Affected: no.

NM_001042492.3(NF1):c.1939C>T (p.His647Tyr)

Gene: NF1 (neurofibromin 1; plus strand). Cytogenetic location: 17q11.2.
Variant type: single nucleotide variant.
Coding change: c.1939C>T on transcript NM_001042492.3 (MANE Select); coding-DNA position 1939, C replaced by T.
Protein change: p.His647Tyr; replaces histidine 647 with tyrosine.
Molecular consequence: missense variant.
Genome position (GRCh38, 1-based): chr17:31,225,188, C>T. VCF-style: chr17-31225188-C-T. GRCh37 (hg19) VCF-style: chr17-29552206-C-T.
Other names: c.1939C>T, p.His647Tyr (NM_000267.4); short protein forms H647Y.
Identifiers: ClinVar variation 237525 (VCV000237525.16), dbSNP rs776251084, ClinGen allele CA8485885.